The following is an entry in ClinVar:

ClinVar aggregate classification (germline): Uncertain significance. Review status: criteria provided, multiple submitters, no conflicts (2 of 4 stars). 7 submissions from 7 submitters: Uncertain significance (7). Last evaluated 2026-04-02.

Conditions:
Osteogenesis Imperfecta, Recessive.
Osteogenesis imperfecta (OI). Identifiers: Orphanet 666, MedGen C0029434, MeSH D010013, MONDO:0019019.
Osteogenesis imperfecta type 8 (OI8). Identifiers: MedGen C1970458, MONDO:0012581, OMIM 610915.

Allele frequency attached by ClinVar (database versions not stated): ExAC 0.00015; ESP Exome Variant Server 0.00015; TOPMed 0.00016; gnomAD 0.00021 and 0.00022; gnomAD exomes 0.00028 and 0.00057.
gnomAD v4.1: 850 of 1,608,498 alleles (0.053%); highest among the groups gnomAD compares: Non-Finnish European, 0.065%; no homozygotes.

Submissions (8):

Women's Health and Genetics/Laboratory Corporation of America, LabCorp
Classification: Uncertain significance. Last evaluated: 2026-04-02. Review status: criteria provided, single submitter. Criteria: LabCorp Variant Classification Summary - May 2015. Collection method: clinical testing. Allele origin: germline.

Blueprint Genetics
Classification: Uncertain significance. Last evaluated: 2024-10-09. Review status: criteria provided, single submitter. Criteria: ACMG Guidelines, 2015. Collection method: clinical testing. Allele origin: germline.

Genome-Nilou Lab
Classification: Uncertain significance for Osteogenesis imperfecta type 8. Last evaluated: 2023-04-11. Review status: criteria provided, single submitter. Criteria: ACMG Guidelines, 2015. Collection method: clinical testing. Allele origin: germline. Affected: no.

Labcorp Genetics (formerly Invitae), Labcorp
Classification: Uncertain significance for Osteogenesis imperfecta type 8. Last evaluated: 2022-10-26. Review status: criteria provided, single submitter. Criteria: Invitae Variant Classification Sherloc (09022015). Collection method: clinical testing. Allele origin: germline.
Comment: This sequence change falls in intron 12 of the P3H1 gene. It does not directly change the encoded amino acid sequence of the P3H1 protein. It affects a nucleotide within the consensus splice site. This variant is present in population databases (rs377368053, gnomAD 0.06%). This variant has not been reported in the literature in individuals affected with P3H1-related conditions. ClinVar contains an entry for this variant (Variation ID: 468975). Variants that disrupt the consensus splice site are a relatively common cause of aberrant splicing (PMID: 17576681, 9536098). Algorithms developed to predict the effect of sequence changes on RNA splicing suggest that this variant is not likely to affect RNA splicing. In summary, the available evidence is currently insufficient to determine the role of this variant in disease. Therefore, it has been classified as a Variant of Uncertain Significance.

Genome Diagnostics Laboratory, The Hospital for Sick Children
Classification: Uncertain significance for Osteogenesis imperfecta. Last evaluated: 2020-05-01. Review status: criteria provided, single submitter. Criteria: ACMG Guidelines, 2015. Collection method: clinical testing. Allele origin: germline.

Fulgent Genetics
Classification: Uncertain significance for Osteogenesis imperfecta type 8. Last evaluated: 2018-10-31. Review status: criteria provided, single submitter. Criteria: ACMG Guidelines, 2015. Collection method: clinical testing. Allele origin: unknown.

Illumina Laboratory Services, Illumina
Classification: Uncertain significance for Osteogenesis Imperfecta, Recessive. Last evaluated: 2017-04-27. Review status: criteria provided, single submitter. Criteria: ICSL Variant Classification Criteria 13 December 2019. Collection method: clinical testing. Allele origin: germline.

Dr. Peter K. Rogan Lab, Western University
No classification provided (evidence only). Condition: Adrenocortical carcinoma, hereditary. Review status: no classification provided. Collection method: in vitro. Allele origin: not applicable. Functional consequence: skipped exon, retained intron. Not counted in ClinVar's aggregate classification.

Literature cited by the submitters: PubMed 17576681 (cited by Labcorp Genetics (formerly Invitae), Labcorp); PubMed 9536098 (cited by Labcorp Genetics (formerly Invitae), Labcorp).

NM_022356.4(P3H1):c.1838+5G>T

Gene: P3H1 (prolyl 3-hydroxylase 1; minus strand). Cytogenetic location: 1p34.2.
Variant type: single nucleotide variant.
Coding change: c.1838+5G>T on transcript NM_022356.4 (MANE Select); 5 bases into the intron after coding-DNA position 1838, G replaced by T.
Molecular consequence: intron variant.
Genome position (GRCh38, 1-based): chr1:42,748,195, C>A on the plus strand (G>T on the coding strand, the complement: P3H1 is on the minus strand). VCF-style: chr1-42748195-C-A. GRCh37 (hg19) VCF-style: chr1-43213866-C-A.
Other names: c.1838+5G>T (NM_001146289.2, NM_001243246.2).
Identifiers: ClinVar variation 468975 (VCV000468975.16), dbSNP rs377368053, ClinGen allele CA801684.